The following is an entry in ClinVar:

NM_014927.5(CNKSR2):c.1735A>T (p.Lys579Ter)

Gene: CNKSR2 (connector enhancer of kinase suppressor of Ras 2; plus strand). Cytogenetic location: Xp22.12.
Variant type: single nucleotide variant.
Coding change: c.1735A>T on transcript NM_014927.5 (MANE Select); coding-DNA position 1735, A replaced by T.
Protein change: p.Lys579Ter; replaces lysine 579 with a stop codon.
Molecular consequence: nonsense.
Genome position (GRCh38, 1-based): chrX:21,591,099, A>T. VCF-style: chrX-21591099-A-T. GRCh37 (hg19) VCF-style: chrX-21609217-A-T.
Other names: c.1645A>T, p.Lys549Ter (NM_001168647.3, NM_001330773.2); c.1735A>T, p.Lys579Ter (NM_001168648.3); c.1588A>T, p.Lys530Ter (NM_001168649.3, NM_001330770.2); c.1498A>T, p.Lys500Ter (NM_001330771.2, NM_001330772.2); short protein forms K500*, K530*, K549*, K579*.
Identifiers: ClinVar variation 1072522 (VCV001072522.7), dbSNP rs2147250007, ClinGen allele CA412554696.

ClinVar aggregate classification (germline): Pathogenic (1 of 4 stars; one submission).

Submission:

Labcorp Genetics (formerly Invitae), Labcorp
Classification: Pathogenic. Last evaluated: 2020-10-23. Review status: criteria provided, single submitter. Criteria: Invitae Variant Classification Sherloc (09022015). Collection method: clinical testing. Allele origin: germline.
Comment: This variant has not been reported in the literature in individuals with CNKSR2-related conditions. This variant is not present in population databases (ExAC no frequency). This sequence change creates a premature translational stop signal (p.Lys579*) in the CNKSR2 gene. It is expected to result in an absent or disrupted protein product. Loss-of-function variants in CNKSR2 are known to be pathogenic (PMID: 22511892, 25223753). For these reasons, this variant has been classified as Pathogenic.

Literature cited by the submitters: PubMed 22511892; PubMed 25223753.